The following is an entry in ClinVar:

ClinVar aggregate classification (germline): Likely pathogenic. Review status: criteria provided, multiple submitters, no conflicts (2 of 4 stars). 2 submissions from 2 submitters: Likely pathogenic (2). Last evaluated 2024-04-19.

Conditions:
Late-infantile neuronal ceroid lipofuscinosis. Also called: Jansky-Bielschowsky disease. Identifiers: MedGen C0022340, MONDO:0015674.
Neuronal ceroid lipofuscinosis 7 (CLN7). Also called: MFSD8-Related Neuronal Ceroid-Lipofuscinosis. Identifiers: Orphanet 168491, Orphanet 228366, MedGen C1838571, MONDO:0012588, OMIM 610951.

Submissions (2):

Natera, Inc.
Classification: Likely pathogenic for Late-infantile neuronal ceroid lipofuscinosis. Last evaluated: 2024-04-19. Review status: criteria provided, single submitter. Criteria: Natera Variant Classification Schema (03/2026). Collection method: clinical testing. Allele origin: germline.
Comment: The c.2T>C variant in MFSD8 is predicted to result in start loss due to disruption of the initiator methionine. This variant is rare in the general population with a frequency below the threshold expected for the associated phenotype(s). This variant has been observed in one or more individuals affected with the associated recessive disease, as either homozygous or compound heterozygous with a second variant (PMID: 19177532, 32037395). Computational prediction algorithms indicate this variant is likely to affect gene or protein function. Given the available evidence, this variant is classified as Likely Pathogenic.

Labcorp Genetics (formerly Invitae), Labcorp
Classification: Likely pathogenic for Neuronal ceroid lipofuscinosis 7. Last evaluated: 2023-08-16. Review status: criteria provided, single submitter. Criteria: Invitae Variant Classification Sherloc (09022015). Collection method: clinical testing. Allele origin: germline.
Comment: In summary, the currently available evidence indicates that the variant is pathogenic, but additional data are needed to prove that conclusively. Therefore, this variant has been classified as Likely Pathogenic. Disruption of the initiator codon has been observed in individual(s) with MFSD8-related conditions (PMID: 19177532, 32037395). In at least one individual the data is consistent with being in trans (on the opposite chromosome) from a pathogenic variant. This variant is not present in population databases (gnomAD no frequency). This sequence change affects the initiator methionine of the MFSD8 mRNA. The next in-frame methionine is located at codon 46.

Literature cited by the submitters: PubMed 19177532 (cited by Natera, Inc. and Labcorp Genetics (formerly Invitae), Labcorp); PubMed 32037395 (cited by Natera, Inc. and Labcorp Genetics (formerly Invitae), Labcorp).

NM_001371596.2(MFSD8):c.2T>C (p.Met1Thr)

Gene: MFSD8 (major facilitator superfamily domain containing 8; minus strand). Cytogenetic location: 4q28.2.
Variant type: single nucleotide variant.
Coding change: c.2T>C on transcript NM_001371596.2 (MANE Select); coding-DNA position 2, T replaced by C.
Protein change: p.Met1Thr; changes the start codon (methionine 1).
Molecular consequence: missense variant, initiator codon variant. On other transcripts: 5 prime UTR variant (1), intron variant (2).
Genome position (GRCh38, 1-based): chr4:127,965,132, A>G on the plus strand (T>C on the coding strand, the complement: MFSD8 is on the minus strand). VCF-style: chr4-127965132-A-G. GRCh37 (hg19) VCF-style: chr4-128886287-A-G.
Other names: c.2T>C (NM_152778.2); c.2T>C, p.Met1Thr (NM_001363520.3, NM_001363521.3, NM_001371591.2 and 5 more transcripts); c.-132T>C (NM_001371595.1); c.-74+765T>C (NM_001410765.1, NM_001371590.2); short protein forms M1T.
Identifiers: ClinVar variation 2734673 (VCV002734673.4), dbSNP rs2149009008, ClinGen allele CA358166003.